The following is an entry in ClinVar:

ClinVar aggregate classification (germline): Uncertain significance (1 of 4 stars; one submission).

gnomAD v4.1: 51 of 1,612,698 alleles (0.0032%); highest among the groups gnomAD compares: African/African-American, 0.0067%; no homozygotes.

Submission:

Labcorp Genetics (formerly Invitae), Labcorp
Classification: Uncertain significance. Last evaluated: 2025-03-04. Review status: criteria provided, single submitter. Criteria: Invitae Variant Classification Sherloc (09022015). Collection method: clinical testing. Allele origin: germline.
Comment: This sequence change replaces glycine, which is neutral and non-polar, with serine, which is neutral and polar, at codon 348 of the SLC27A5 protein (p.Gly348Ser). This variant is present in population databases (rs750002836, gnomAD 0.01%). This variant has not been reported in the literature in individuals affected with SLC27A5-related conditions. An algorithm developed to predict the effect of missense changes on protein structure and function outputs the following: PolyPhen-2: "Possibly Damaging". The serine amino acid residue is found in multiple mammalian species, which suggests that this missense change does not adversely affect protein function. In summary, the available evidence is currently insufficient to determine the role of this variant in disease. Therefore, it has been classified as a Variant of Uncertain Significance.

NM_012254.3(SLC27A5):c.1042G>A (p.Gly348Ser)

Gene: SLC27A5 (solute carrier family 27 member 5; minus strand). Cytogenetic location: 19q13.43.
Variant type: single nucleotide variant.
Coding change: c.1042G>A on transcript NM_012254.3 (MANE Select); coding-DNA position 1042, G replaced by A.
Protein change: p.Gly348Ser; replaces glycine 348 with serine.
Molecular consequence: missense variant.
Genome position (GRCh38, 1-based): chr19:58,509,862, C>T on the plus strand (G>A on the coding strand, the complement: SLC27A5 is on the minus strand). VCF-style: chr19-58509862-C-T. GRCh37 (hg19) VCF-style: chr19-59021229-C-T.
Other names: c.790G>A, p.Gly264Ser (NM_001321196.2); short protein forms G264S, G348S.
Identifiers: ClinVar variation 4693839 (VCV004693839.1).